The following is an entry in ClinVar:

ClinVar aggregate classification (germline): Uncertain significance (1 of 4 stars; one submission).

Conditions:
Costello syndrome (CSTLO). Also called: FCS SYNDROME; FACIOCUTANEOSKELETAL SYNDROME; HRAS-Related Costello Syndrome. Identifiers: Orphanet 3071, MedGen C0587248, MONDO:0009026, OMIM 218040.

Allele frequency attached by ClinVar (database versions not stated): gnomAD exomes below 0.00001; gnomAD 0.00001; TOPMed 0.00001.
gnomAD v4.1: 3 of 1,613,076 alleles (0.00019%); highest among the groups gnomAD compares: African/African-American, 0.0013%; no homozygotes.

Submission:

Labcorp Genetics (formerly Invitae), Labcorp
Classification: Uncertain significance for Costello syndrome. Last evaluated: 2025-05-07. Review status: criteria provided, single submitter. Criteria: Invitae Variant Classification Sherloc (09022015). Collection method: clinical testing. Allele origin: germline.
Comment: This sequence change replaces histidine, which is basic and polar, with tyrosine, which is neutral and polar, at codon 166 of the HRAS protein (p.His166Tyr). This variant is not present in population databases (gnomAD no frequency). This variant has not been reported in the literature in individuals affected with HRAS-related conditions. ClinVar contains an entry for this variant (Variation ID: 1408362). Invitae Evidence Modeling of protein sequence and biophysical properties (such as structural, functional, and spatial information, amino acid conservation, physicochemical variation, residue mobility, and thermodynamic stability) indicates that this missense variant is not expected to disrupt HRAS protein function with a negative predictive value of 95%. In summary, the available evidence is currently insufficient to determine the role of this variant in disease. Therefore, it has been classified as a Variant of Uncertain Significance.

NM_005343.4(HRAS):c.496C>T (p.His166Tyr)

Genes: LRRC56 (leucine rich repeat containing 56; plus strand), HRAS (HRas proto-oncogene, GTPase; minus strand). Cytogenetic location: 11p15.5.
Variant type: single nucleotide variant.
Coding change: c.496C>T on transcript NM_005343.4 (MANE Select); coding-DNA position 496, C replaced by T.
Protein change: p.His166Tyr; replaces histidine 166 with tyrosine.
Molecular consequence: missense variant. On other transcripts: 3 prime UTR variant (1).
Genome position (GRCh38, 1-based): chr11:532,710, G>A on the plus strand (C>T on the coding strand, the complement: HRAS is on the minus strand). VCF-style: chr11-532710-G-A. GRCh37 (hg19) VCF-style: chr11-532710-G-A.
Other names: c.496C>T, p.His166Tyr (NM_001130442.3); c.259C>T, p.His87Tyr (NM_001318054.2); c.*65C>T (NM_176795.5); short protein forms H166Y, H87Y.
Identifiers: ClinVar variation 1408362 (VCV001408362.6), dbSNP rs1439562437, ClinGen allele CA378921140.
Genomic context (GRCh38, chr11:532,710, plus strand): 5'-ACTTGCAGCTCATGCAGCCGGGGCCACTCTCATCAGGAGGGTTCAGCTTCCGCAGCTTGT[G>A]CTGCCGGATCTCACGCACCAACGTGTAGAAGGCATCCTCCACTCCCTGGGAAAGGAGGGA-3'
Protein context (NP_005334.1, residues 156-176): FYTLVREIRQ[His166Tyr]KLRKLNPPDE